The following is an entry in ClinVar:

ClinVar aggregate classification (germline): Likely benign (1 of 4 stars; one submission).

Allele frequency attached by ClinVar (database versions not stated): gnomAD exomes below 0.00001.
gnomAD v4.1: 3 of 1,614,124 alleles (0.00019%); highest among the groups gnomAD compares: Non-Finnish European, 0.00025%; no homozygotes.

Submission:

CeGaT Center for Human Genetics Tuebingen
Classification: Likely benign. Last evaluated: 2023-11-01. Review status: criteria provided, single submitter. Criteria: CeGaT Center For Human Genetics Tuebingen Variant Classification Criteria Version 2. Collection method: clinical testing. Allele origin: germline. Affected: yes. Observed: 1 variant allele.
Comment: ZSCAN5B: BP4, BP7

NM_001080456.5(ZSCAN5B):c.159A>G (p.Pro53=)

Gene: ZSCAN5B (zinc finger and SCAN domain containing 5B; minus strand). Cytogenetic location: 19q13.43.
Variant type: single nucleotide variant.
Coding change: c.159A>G on transcript NM_001080456.5 (MANE Select); coding-DNA position 159, A replaced by G.
Protein change: p.Pro53=; no amino-acid change (proline 53 retained).
Molecular consequence: synonymous variant.
Genome position (GRCh38, 1-based): chr19:56,192,894, T>C on the plus strand (A>G on the coding strand, the complement: ZSCAN5B is on the minus strand). VCF-style: chr19-56192894-T-C. GRCh37 (hg19) VCF-style: chr19-56704263-T-C.
Other names: c.159A>G, p.Pro53= (NM_001385638.1).
Identifiers: ClinVar variation 2650555 (VCV002650555.24), dbSNP rs1405399994, ClinGen allele CA509225110.